The following is an entry in ClinVar:

ClinVar aggregate classification (germline): Likely benign. Review status: criteria provided, multiple submitters, no conflicts (2 of 4 stars). 4 submissions from 4 submitters: Likely benign (3). 1 of the submissions does not count toward it. Last evaluated 2025-12-26.

Conditions:
PKP1-related disorder. Also called: PKP1-related condition.
Epidermolysis bullosa simplex due to plakophilin deficiency. Also called: MCGRATH SYNDROME. Identifiers: Orphanet 158668, MedGen C1858302, MONDO:0011472, OMIM 604536.

Allele frequency attached by ClinVar (database versions not stated): gnomAD exomes 0.00024 and 0.00051; ExAC 0.00087; 1000 Genomes Project 0.00120; ESP Exome Variant Server 0.00138; 1000 Genomes Project 30x 0.00156; gnomAD 0.00214 and 0.00236; TOPMed 0.00253.

Submissions (4):

Labcorp Genetics (formerly Invitae), Labcorp
Classification: Likely benign. Last evaluated: 2025-12-26. Review status: criteria provided, single submitter. Criteria: Invitae Variant Classification Sherloc (09022015). Collection method: clinical testing. Allele origin: germline.

Illumina Laboratory Services, Illumina
Classification: Likely benign for Epidermolysis bullosa simplex due to plakophilin deficiency. Last evaluated: 2018-01-12. Review status: criteria provided, single submitter. Criteria: ICSL Variant Classification Criteria 13 December 2019. Collection method: clinical testing. Allele origin: germline.
Comment: This variant was observed in the ICSL laboratory as part of a predisposition screen in an ostensibly healthy population. It had not been previously curated by ICSL or reported in the Human Gene Mutation Database (HGMD: prior to June 1st, 2018), and was therefore a candidate for classification through an automated scoring system. Utilizing variant allele frequency, disease prevalence and penetrance estimates, and inheritance mode, an automated score was calculated to assess if this variant is too frequent to cause the disease. Based on the score and internal cut-off values, a variant classified as likely benign is not then subjected to further curation. The score for this variant resulted in a classification of likely benign for this disease.

Breakthrough Genomics
Classification: Likely benign. Review status: criteria provided, single submitter. Criteria: ACMG Guidelines, 2015. Collection method: not provided. Allele origin: germline. Inheritance: Autosomal recessive inheritance. Affected: yes.

PreventionGenetics, part of Exact Sciences
Classification: Likely benign for PKP1-related condition. Last evaluated: 2020-01-07. Review status: no assertion criteria provided. Collection method: clinical testing. Allele origin: germline. Not counted in ClinVar's aggregate classification.
Comment: This variant is classified as likely benign based on ACMG/AMP sequence variant interpretation guidelines (Richards et al. 2015 PMID: 25741868, with internal and published modifications).

NM_001005337.3(PKP1):c.418G>A (p.Ala140Thr)

Gene: PKP1 (plakophilin 1; plus strand). Cytogenetic location: 1q32.1.
Variant type: single nucleotide variant.
Coding change: c.418G>A on transcript NM_001005337.3 (MANE Select); coding-DNA position 418, G replaced by A.
Protein change: p.Ala140Thr; replaces alanine 140 with threonine.
Molecular consequence: missense variant.
Genome position (GRCh38, 1-based): chr1:201,313,277, G>A. VCF-style: chr1-201313277-G-A. GRCh37 (hg19) VCF-style: chr1-201282405-G-A.
Other names: c.418G>A, p.Ala140Thr (NM_000299.4); short protein forms A140T.
Identifiers: ClinVar variation 294806 (VCV000294806.16), dbSNP rs77893096, ClinGen allele CA1324074.
Genomic context (GRCh38, chr1:201,313,277, plus strand): 5'-TACAGCCAGATGGAGAACTGGAGCCGGCACTACCCCCGGGGCAGCTGTAACACCACCGGC[G>A]CAGGCAGCGACATCTGCTTCATGCAGAAAATCAAGGCGAGCCGCAGTGAGCCCGACCTCT-3'
Protein context (NP_001005337.1, residues 130-150): YPRGSCNTTG[Ala140Thr]GSDICFMQKI